The following is an entry in ClinVar:

ClinVar aggregate classification (germline): Conflicting classifications of pathogenicity. Review status: criteria provided, conflicting classifications (1 of 4 stars). 3 submissions from 3 submitters: Uncertain significance (1); Likely benign (1). 1 of the submissions does not count toward it. Last evaluated 2025-09-11.

Conditions:
GRM8-related disorder. Also called: GRM8-related condition.

Allele frequency attached by ClinVar (database versions not stated): gnomAD exomes 0.00015 and 0.00039; ExAC 0.00052; gnomAD 0.00139 and 0.00146; TOPMed 0.00142; ESP Exome Variant Server 0.00146; 1000 Genomes Project 30x 0.00219; 1000 Genomes Project 0.00220.
gnomAD v4.1: 436 of 1,613,940 alleles (0.027%); highest among the groups gnomAD compares: African/African-American, 0.52%; 1 homozygote.

Submissions (3):

Ambry Genetics
Classification: Uncertain significance. Last evaluated: 2025-09-11. Review status: criteria provided, single submitter. Criteria: Ambry Variant Classification Scheme 2023. Collection method: clinical testing. Allele origin: germline.

Labcorp Genetics (formerly Invitae), Labcorp
Classification: Likely benign. Last evaluated: 2019-12-31. Review status: criteria provided, single submitter. Criteria: Invitae Variant Classification Sherloc (09022015). Collection method: clinical testing. Allele origin: germline.

PreventionGenetics, part of Exact Sciences
Classification: Likely benign for GRM8-related condition. Last evaluated: 2020-06-18. Review status: no assertion criteria provided. Collection method: clinical testing. Allele origin: germline. Not counted in ClinVar's aggregate classification.
Comment: This variant is classified as likely benign based on ACMG/AMP sequence variant interpretation guidelines (Richards et al. 2015 PMID: 25741868, with internal and published modifications).

NM_000845.3(GRM8):c.1538C>T (p.Ala513Val)

Gene: GRM8 (glutamate metabotropic receptor 8; minus strand). Cytogenetic location: 7q31.33.
Variant type: single nucleotide variant.
Coding change: c.1538C>T on transcript NM_000845.3 (MANE Select); coding-DNA position 1538, C replaced by T.
Protein change: p.Ala513Val; replaces alanine 513 with valine.
Molecular consequence: missense variant. On other transcripts: non-coding transcript variant (3).
Genome position (GRCh38, 1-based): chr7:126,533,844, G>A on the plus strand (C>T on the coding strand, the complement: GRM8 is on the minus strand). VCF-style: chr7-126533844-G-A. GRCh37 (hg19) VCF-style: chr7-126173898-G-A.
Other names: c.1538C>T, p.Ala513Val (NM_001127323.1, NM_001371083.1, NM_001371084.1 and 2 more transcripts); c.923C>T, p.Ala308Val (NM_001371087.1); short protein forms A308V, A513V.
Identifiers: ClinVar variation 726532 (VCV000726532.7), dbSNP rs112220743, ClinGen allele CA4465814.